The following is an entry in ClinVar:

NM_001904.4(CTNNB1):c.470C>T (p.Thr157Ile)

Genes: CTNNB1 (catenin beta 1; plus strand), LOC126806658 (BRD4-independent group 4 enhancer GRCh37_chr3:41265899-41267098; plus strand). Cytogenetic location: 3p22.1.
Variant type: single nucleotide variant.
Coding change: c.470C>T on transcript NM_001904.4 (MANE Select); coding-DNA position 470, C replaced by T.
Protein change: p.Thr157Ile; replaces threonine 157 with isoleucine.
Molecular consequence: missense variant.
Genome position (GRCh38, 1-based): chr3:41,225,182, C>T. VCF-style: chr3-41225182-C-T. GRCh37 (hg19) VCF-style: chr3-41266673-C-T.
Other names: c.470C>T, p.Thr157Ile (NM_001098209.2, NM_001098210.2); c.449C>T, p.Thr150Ile (NM_001330729.2); short protein forms T150I, T157I.
Identifiers: ClinVar variation 2088664 (VCV002088664.4), dbSNP rs1413932105, ClinGen allele CA352229365.
Genomic context (GRCh38, chr3:41,225,182, plus strand): 5'-TAAACTTGATTAACTATCAAGATGATGCAGAACTTGCCACACGTGCAATCCCTGAACTGA[C>T]AAAACTGCTAAATGACGAGGACCAGGTAAGCAATGACATAGCTAGCTTTTTAGTCTGCTT-3'
Protein context (NP_001895.1, residues 147-167): ELATRAIPEL[Thr157Ile]KLLNDEDQVV

ClinVar aggregate classification (germline): Uncertain significance (1 of 4 stars; one submission).

Allele frequency attached by ClinVar (database versions not stated): gnomAD exomes below 0.00001.
gnomAD v4.1: 1 of 1,614,068 alleles (0.000062%); no homozygotes.

Submission:

Labcorp Genetics (formerly Invitae), Labcorp
Classification: Uncertain significance. Last evaluated: 2022-01-21. Review status: criteria provided, single submitter. Criteria: Invitae Variant Classification Sherloc (09022015). Collection method: clinical testing. Allele origin: germline.
Comment: This sequence change replaces threonine, which is neutral and polar, with isoleucine, which is neutral and non-polar, at codon 157 of the CTNNB1 protein (p.Thr157Ile). This variant is present in population databases (no rsID available, gnomAD 0.004%). This variant has not been reported in the literature in individuals affected with CTNNB1-related conditions. Algorithms developed to predict the effect of missense changes on protein structure and function (SIFT, PolyPhen-2, Align-GVGD) all suggest that this variant is likely to be tolerated. In summary, the available evidence is currently insufficient to determine the role of this variant in disease. Therefore, it has been classified as a Variant of Uncertain Significance.